The following is an entry in ClinVar:

ClinVar aggregate classification (germline): Uncertain significance (1 of 4 stars; one submission).

Conditions:
Hereditary cancer-predisposing syndrome. Also called: Tumor predisposition; Neoplastic Syndromes, Hereditary; Hereditary Cancer Syndrome; Hereditary neoplastic syndrome. Identifiers: Orphanet 140162, MedGen C0027672, MeSH D009386, MONDO:0015356.

Submission:

Ambry Genetics
Classification: Uncertain significance for Hereditary cancer-predisposing syndrome. Last evaluated: 2025-03-07. Review status: criteria provided, single submitter. Criteria: Ambry Variant Classification Scheme 2023. Collection method: clinical testing. Allele origin: germline.
Comment: The p.E465D variant (also known as c.1395G>T), located in coding exon 13 of the NF2 gene, results from a G to T substitution at nucleotide position 1395. The glutamic acid at codon 465 is replaced by aspartic acid, an amino acid with highly similar properties. This amino acid position is conserved. In addition, the in silico prediction for this alteration is inconclusive. Based on the available evidence, the clinical significance of this variant remains unclear.

NM_000268.4(NF2):c.1395G>T (p.Glu465Asp)

Gene: NF2 (NF2, moesin-ezrin-radixin like (MERLIN) tumor suppressor; plus strand). Cytogenetic location: 22q12.2.
Variant type: single nucleotide variant.
Coding change: c.1395G>T on transcript NM_000268.4 (MANE Select); coding-DNA position 1395, G replaced by T.
Protein change: p.Glu465Asp; replaces glutamic acid 465 with aspartic acid.
Molecular consequence: missense variant. On other transcripts: non-coding transcript variant (1), intron variant (1).
Genome position (GRCh38, 1-based): chr22:29,674,890, G>T. VCF-style: chr22-29674890-G-T. GRCh37 (hg19) VCF-style: chr22-30070879-G-T.
Other names: c.1395G>T, p.Glu465Asp (NM_181832.3, NM_001407060.1, NM_001407066.1 and 2 more transcripts); c.448-19862G>T (NM_181833.3); c.1146G>T, p.Glu382Asp (NM_181831.3, NM_001407063.1, NM_001407064.1 and 1 more transcripts); c.1281G>T, p.Glu427Asp (NM_001407053.1, NM_001407056.1); c.1272G>T, p.Glu424Asp (NM_001407054.1, NM_001407058.1, NM_181829.3); c.1269G>T, p.Glu423Asp (NM_001407055.1, NM_181828.3); c.1260G>T, p.Glu420Asp (NM_001407057.1, NM_001407059.1); c.1137G>T, p.Glu379Asp (NM_001407062.1); and 2 more; short protein forms E379D, E382D, E420D, E388D, E427D, E465D, E287D, E424D.
Identifiers: ClinVar variation 3879183 (VCV003879183.1).